The following is an entry in ClinVar:

NM_006231.4(POLE):c.424-5_424-3del

Gene: POLE (DNA polymerase epsilon, catalytic subunit; minus strand). Cytogenetic location: 12q24.33.
Variant type: Deletion.
Coding change: c.424-5_424-3del on transcript NM_006231.4 (MANE Select); 5 bases into the intron before coding-DNA position 424 through 3 bases into the intron before coding-DNA position 424, 3 bases deleted (TAT; older notation c.424-5_424-3delTAT).
Molecular consequence: intron variant.
Genome position (GRCh38, 1-based): chr12:132,679,654-132,679,656, ATA deleted on the plus strand (TAT on the coding strand, the reverse complement: POLE is on the minus strand); deleting any 3 consecutive bases within chr12:132,679,654-132,679,658 gives the same sequence; the c. name uses the placement nearest the transcript's 3' end. VCF-style (leftmost placement, unchanged base first): chr12-132679653-TATA-T. GRCh37 (hg19) VCF-style: chr12-133256239-TATA-T.
Identifiers: ClinVar variation 3935761 (VCV003935761.2).

ClinVar aggregate classification (germline): Conflicting classifications of pathogenicity. Review status: criteria provided, conflicting classifications (1 of 4 stars). 2 submissions from 2 submitters: Uncertain significance (1); Likely benign (1). Last evaluated 2025-07-22.

Conditions:
Hereditary cancer-predisposing syndrome. Also called: Tumor predisposition; Hereditary neoplastic syndrome; Hereditary Cancer Syndrome; Neoplastic Syndromes, Hereditary. Identifiers: Orphanet 140162, MedGen C0027672, MeSH D009386, MONDO:0015356.

Submissions (2):

Labcorp Genetics (formerly Invitae), Labcorp
Classification: Likely benign. Last evaluated: 2025-07-22. Review status: criteria provided, single submitter. Criteria: Invitae Variant Classification Sherloc (09022015). Collection method: clinical testing. Allele origin: germline.

Ambry Genetics
Classification: Uncertain significance for Hereditary cancer-predisposing syndrome. Last evaluated: 2025-06-05. Review status: criteria provided, single submitter. Criteria: Ambry Variant Classification Scheme 2023. Collection method: clinical testing. Allele origin: germline.
Comment: The c.424-5_424-3delTAT intronic variant is located 3 nucleotides before coding exon 6 of the POLE gene. This variant results from a deletion of three nucleotides at positions c.424-3 to c.424-5. This nucleotide region is not well conserved in available vertebrate species. In silico splice site analysis for this alteration is inconclusive. Based on the available evidence, the clinical significance of this variant remains unclear.